The following is an entry in ClinVar:

ClinVar aggregate classification (germline): Pathogenic. Review status: criteria provided, multiple submitters, no conflicts (2 of 4 stars). 6 submissions from 6 submitters: Pathogenic (3). 3 of the submissions do not count toward it. Last evaluated 2023-05-31.

Conditions:
PMM2-congenital disorder of glycosylation. Also called: JAEKEN SYNDROME; PHOSPHOMANNOMUTASE 2 DEFICIENCY; CDG Ia; CARBOHYDRATE-DEFICIENT GLYCOPROTEIN SYNDROME, TYPE Ia; Congenital disorder of glycosylation, type Ia; PMM2-CDG. Identifiers: Orphanet 79318, MedGen C0349653, MONDO:0008907, OMIM 212065.

Allele frequency attached by ClinVar (database versions not stated): TOPMed below 0.00001.

Submissions (6):

Baylor Genetics
Classification: Pathogenic for PMM2-congenital disorder of glycosylation. Last evaluated: 2023-05-31. Review status: criteria provided, single submitter. Criteria: ACMG Guidelines, 2015. Collection method: clinical testing. Allele origin: unknown.

Labcorp Genetics (formerly Invitae), Labcorp
Classification: Pathogenic for PMM2-congenital disorder of glycosylation. Last evaluated: 2021-08-06. Review status: criteria provided, single submitter. Criteria: Invitae Variant Classification Sherloc (09022015). Collection method: clinical testing. Allele origin: germline.
Comment: For these reasons, this variant has been classified as Pathogenic. This missense change has been observed in individual(s) with congenital disorder of glycosylation type 1 (PMID: 9497260, 21541725). ClinVar contains an entry for this variant (Variation ID: 7725). This variant is not present in population databases (ExAC no frequency). This sequence change replaces valine with alanine at codon 44 of the PMM2 protein (p.Val44Ala). The valine residue is highly conserved and there is a small physicochemical difference between valine and alanine. Experimental studies have shown that this missense change affects PMM2 function (PMID: 21541725, 26014514). Algorithms developed to predict the effect of missense changes on protein structure and function (SIFT, PolyPhen-2, Align-GVGD) all suggest that this variant is likely to be disruptive.

Women's Health and Genetics/Laboratory Corporation of America, LabCorp
Classification: Pathogenic for Congenital disorder of glycosylation, type Ia. Last evaluated: 2020-06-04. Review status: criteria provided, single submitter. Criteria: LabCorp Variant Classification Summary - May 2015. Collection method: clinical testing. Allele origin: germline.
Comment: Variant summary: PMM2 c.131T>C (p.Val44Ala) results in a non-conservative amino acid change located in the Phosphomannomutase domain (IPR005002) of the encoded protein sequence. Five of five in-silico tools predict a damaging effect of the variant on protein function. The variant was absent in 249792 control chromosomes. c.131T>C has been reported in the literature in multiple individuals affected with Congenital Disorder Of Glycosylation Type 1a (example, Matthijs_1998, Grunwald_2001, Vega_2011, Izquierdo-Serra_2018). These data indicate that the variant is very likely to be associated with disease. At least two publications report experimental evidence evaluating an impact on protein function. The most pronounced variant effect results in 10%-<30% of normal activity and characterization as a misfolding defect resulting in protein destabilization (example, Vega_2011, Yuste-Checa_2015). One clinical diagnostic laboratory has submitted clinical-significance assessments for this variant to ClinVar after 2014 without evidence for independent evaluation. One laboratory classified the variant as likely pathogenic. Based on the evidence outlined above, the variant was classified as pathogenic.

Natera, Inc.
Classification: Pathogenic for Congenital disorder of glycosylation type 1a. Last evaluated: 2020-03-22. Review status: no assertion criteria provided. Collection method: clinical testing. Allele origin: germline. Not counted in ClinVar's aggregate classification.

Counsyl
Classification: Likely pathogenic for PMM2-congenital disorder of glycosylation. Last evaluated: 2016-08-31. Review status: no assertion criteria provided. Collection method: clinical testing. Allele origin: unknown. Not counted in ClinVar's aggregate classification.

OMIM
Classification: Pathogenic for CONGENITAL DISORDER OF GLYCOSYLATION, TYPE Ia. Last evaluated: 2007-04-01. Review status: no assertion criteria provided. Collection method: literature only. Allele origin: germline. Not counted in ClinVar's aggregate classification.

Literature cited by the submitters: PubMed 9497260 (cited by Labcorp Genetics (formerly Invitae), Labcorp and Women's Health and Genetics/Laboratory Corporation of America, LabCorp); PubMed 21541725 (cited by 3 submitters); PubMed 26014514 (cited by 3 submitters); PubMed 11156536 (cited by Women's Health and Genetics/Laboratory Corporation of America, LabCorp and Counsyl); PubMed 29470411 (cited by Women's Health and Genetics/Laboratory Corporation of America, LabCorp); PubMed 17307006 (cited by OMIM).

NM_000303.3(PMM2):c.131T>C (p.Val44Ala)

Gene: PMM2 (phosphomannomutase 2; plus strand). Cytogenetic location: 16p13.2.
Variant type: single nucleotide variant.
Coding change: c.131T>C on transcript NM_000303.3 (MANE Select); coding-DNA position 131, T replaced by C.
Protein change: p.Val44Ala; replaces valine 44 with alanine.
Molecular consequence: missense variant.
Genome position (GRCh38, 1-based): chr16:8,801,863, T>C. VCF-style: chr16-8801863-T-C. GRCh37 (hg19) VCF-style: chr16-8895720-T-C.
Other names: short protein forms V44A.
Identifiers: ClinVar variation 7725 (VCV000007725.14), dbSNP rs104894534, ClinGen allele CA254236.